The following is an entry in ClinVar:

NM_004447.6(EPS8):c.1906C>T (p.Pro636Ser)

Gene: EPS8 (EGFR pathway substrate 8, signaling adaptor; minus strand). Cytogenetic location: 12p12.3.
Variant type: single nucleotide variant.
Coding change: c.1906C>T on transcript NM_004447.6 (MANE Select); coding-DNA position 1906, C replaced by T.
Protein change: p.Pro636Ser; replaces proline 636 with serine.
Molecular consequence: missense variant.
Genome position (GRCh38, 1-based): chr12:15,631,580, G>A on the plus strand (C>T on the coding strand, the complement: EPS8 is on the minus strand). VCF-style: chr12-15631580-G-A. GRCh37 (hg19) VCF-style: chr12-15784514-G-A.
Other names: c.1942C>T, p.Pro648Ser (NM_001413831.1); c.1906C>T, p.Pro636Ser (NM_001413832.1, NM_001413833.1, NM_001413834.1); c.1666C>T, p.Pro556Ser (NM_001413835.1, NM_001413836.1); c.1489C>T, p.Pro497Ser (NM_001413837.1); c.1126C>T, p.Pro376Ser (NM_001413838.1); short protein forms P497S, P556S, P376S, P636S, P648S.
Identifiers: ClinVar variation 2117040 (VCV002117040.4), dbSNP rs1390293335, ClinGen allele CA384025059.

ClinVar aggregate classification (germline): Uncertain significance (1 of 4 stars; one submission).

Allele frequency attached by ClinVar (database versions not stated): gnomAD exomes below 0.00001.
gnomAD v4.1: 1 of 1,614,030 alleles (0.000062%); highest among the groups gnomAD compares: Non-Finnish European, 0.000085%; no homozygotes.

Submission:

Labcorp Genetics (formerly Invitae), Labcorp
Classification: Uncertain significance. Last evaluated: 2022-07-08. Review status: criteria provided, single submitter. Criteria: Invitae Variant Classification Sherloc (09022015). Collection method: clinical testing. Allele origin: germline.
Comment: In summary, the available evidence is currently insufficient to determine the role of this variant in disease. Therefore, it has been classified as a Variant of Uncertain Significance. Algorithms developed to predict the effect of missense changes on protein structure and function are either unavailable or do not agree on the potential impact of this missense change (SIFT: "Not Available"; PolyPhen-2: "Probably Damaging"; Align-GVGD: "Not Available"). This variant has not been reported in the literature in individuals affected with EPS8-related conditions. This variant is not present in population databases (gnomAD no frequency). This sequence change replaces proline, which is neutral and non-polar, with serine, which is neutral and polar, at codon 636 of the EPS8 protein (p.Pro636Ser).